The following is an entry in ClinVar:

NM_015909.4(NBAS):c.1891G>A (p.Gly631Ser)

Gene: NBAS (NBAS subunit of NRZ tethering complex; minus strand). Cytogenetic location: 2p24.3.
Variant type: single nucleotide variant.
Coding change: c.1891G>A on transcript NM_015909.4 (MANE Select); coding-DNA position 1891, G replaced by A.
Protein change: p.Gly631Ser; replaces glycine 631 with serine.
Molecular consequence: missense variant. On other transcripts: non-coding transcript variant (1).
Genome position (GRCh38, 1-based): chr2:15,467,791, C>T on the plus strand (G>A on the coding strand, the complement: NBAS is on the minus strand). VCF-style: chr2-15467791-C-T. GRCh37 (hg19) VCF-style: chr2-15607915-C-T.
Other names: short protein forms G631S.
Identifiers: ClinVar variation 2083452 (VCV002083452.4), dbSNP rs1386670975, ClinGen allele CA345883215.
Genomic context (GRCh38, chr2:15,467,791, plus strand): 5'-CAGGCTCTTCATCAGGTGGTGAAAGCTCTTCATAGGAGATACTGTCAATGTCTATTTCAC[C>T]AGGTAATGTAAATCTGCAAGTATAAAAGAACAAATATATTTTCATCATTTTTAAAAACTT-3'
Protein context (NP_056993.2, residues 621-641): GADDGRFTLP[Gly631Ser]EIDIDSISYE

ClinVar aggregate classification (germline): Uncertain significance (1 of 4 stars; one submission).

Allele frequency attached by ClinVar (database versions not stated): TOPMed 0.00001.

Submission:

Labcorp Genetics (formerly Invitae), Labcorp
Classification: Uncertain significance. Last evaluated: 2022-01-15. Review status: criteria provided, single submitter. Criteria: Invitae Variant Classification Sherloc (09022015). Collection method: clinical testing. Allele origin: germline.
Comment: In summary, the available evidence is currently insufficient to determine the role of this variant in disease. Therefore, it has been classified as a Variant of Uncertain Significance. Algorithms developed to predict the effect of sequence changes on RNA splicing suggest that this variant may create or strengthen a splice site. Algorithms developed to predict the effect of missense changes on protein structure and function are either unavailable or do not agree on the potential impact of this missense change (SIFT: "Deleterious"; PolyPhen-2: "Benign"; Align-GVGD: "Class C55"). This variant has not been reported in the literature in individuals affected with NBAS-related conditions. This variant is not present in population databases (gnomAD no frequency). This sequence change replaces glycine, which is neutral and non-polar, with serine, which is neutral and polar, at codon 631 of the NBAS protein (p.Gly631Ser).